The following is an entry in ClinVar:

NM_000059.4(BRCA2):c.3272T>A (p.Leu1091Ter)

Gene: BRCA2 (BRCA2 DNA repair associated; plus strand). Cytogenetic location: 13q13.1.
Variant type: single nucleotide variant.
Coding change: c.3272T>A on transcript NM_000059.4 (MANE Select); coding-DNA position 3272, T replaced by A.
Protein change: p.Leu1091Ter; replaces leucine 1091 with a stop codon.
Molecular consequence: nonsense.
Genome position (GRCh38, 1-based): chr13:32,337,627, T>A. VCF-style: chr13-32337627-T-A. GRCh37 (hg19) VCF-style: chr13-32911764-T-A.
Other names: short protein forms L1091*.
Identifiers: ClinVar variation 422129 (VCV000422129.2), dbSNP rs1064795577, ClinGen allele CA16619695.

ClinVar aggregate classification (germline): Pathogenic. Review status: reviewed by expert panel (3 of 4 stars). 2 submissions from 2 submitters: Pathogenic (1). 1 of the submissions does not count toward it. Last evaluated 2017-12-15.

Conditions:
Breast-ovarian cancer, familial, susceptibility to, 2 (BROVCA2). Also called: BRCA2 Hereditary Breast and Ovarian Cancer. Identifiers: Orphanet 145, MedGen C2675520, MONDO:0012933, OMIM 612555. Disease mechanism: loss of function.

Submissions (2):

Evidence-based Network for the Interpretation of Germline Mutant Alleles (ENIGMA)
Classification: Pathogenic for Breast-ovarian cancer, familial, susceptibility to, 2. Last evaluated: 2017-12-15. Review status: reviewed by expert panel. Criteria: ENIGMA BRCA1/2 Classification Criteria (2017-06-29). Collection method: curation. Allele origin: germline. Study: ENIGMA.
Comment: Variant allele predicted to encode a truncated non-functional protein.

GeneDx
Classification: Pathogenic. Last evaluated: 2016-08-29. Review status: criteria provided, single submitter. Criteria: GeneDx Variant Classification (06012015). Collection method: clinical testing. Allele origin: germline. Affected: yes. Not counted in ClinVar's aggregate classification.
Comment: This variant is denoted BRCA2 c.3272T>A at the cDNA level and p.Leu1091Ter (L1091X) at the protein level. The substitution creates a nonsense variant, which changes a Leucine to a premature stop codon (TTA>TAA), and is predicted to cause loss of normal protein function through either protein truncation or nonsense-mediated mRNA decay. Using alternate nomenclature, this variant would be defined as BRCA2 3500T>A. Although this variant has not, to our knowledge, been reported in the literature, it is considered pathogenic.